The following is an entry in ClinVar:

ClinVar aggregate classification (germline): Uncertain significance (1 of 4 stars; one submission).

Submission:

Ambry Genetics
Classification: Uncertain significance. Last evaluated: 2023-08-29. Review status: criteria provided, single submitter. Criteria: Ambry Variant Classification Scheme 2023. Collection method: clinical testing. Allele origin: germline.
Comment: The p.P295S variant (also known as c.883C>T), located in coding exon 3 of the ALPK2 gene, results from a C to T substitution at nucleotide position 883. The proline at codon 295 is replaced by serine, an amino acid with similar properties. This amino acid position is conserved. In addition, this alteration is predicted to be tolerated by in silico analysis. Since supporting evidence is limited at this time, the clinical significance of this alteration remains unclear.

NM_052947.4(ALPK2):c.883C>T (p.Pro295Ser)

Genes: ALPK2 (alpha kinase 2; minus strand), LOC114803473 (ALPK2 eExon liver enhancer; plus strand). Cytogenetic location: 18q21.31.
Variant type: single nucleotide variant.
Coding change: c.883C>T on transcript NM_052947.4 (MANE Select); coding-DNA position 883, C replaced by T.
Protein change: p.Pro295Ser; replaces proline 295 with serine.
Molecular consequence: missense variant.
Genome position (GRCh38, 1-based): chr18:58,579,893, G>A on the plus strand (C>T on the coding strand, the complement: ALPK2 is on the minus strand). VCF-style: chr18-58579893-G-A. GRCh37 (hg19) VCF-style: chr18-56247125-G-A.
Other names: short protein forms P295S.
Identifiers: ClinVar variation 2624511 (VCV002624511.2), dbSNP rs2518899725, ClinGen allele CA402566921.